The following is an entry in ClinVar:

ClinVar aggregate classification (germline): Uncertain significance (1 of 4 stars; one submission).

Conditions:
Rhabdoid tumor predisposition syndrome 2 (RTPS2). Identifiers: Orphanet 231108, Orphanet 69077, MedGen C2750074, MONDO:0013224, OMIM 613325.

Submission:

Labcorp Genetics (formerly Invitae), Labcorp
Classification: Uncertain significance for Rhabdoid tumor predisposition syndrome 2. Last evaluated: 2025-12-22. Review status: criteria provided, single submitter. Criteria: Invitae Variant Classification Sherloc (09022015). Collection method: clinical testing. Allele origin: germline.
Comment: This sequence change replaces glutamine, which is neutral and polar, with arginine, which is basic and polar, at codon 160 of the SMARCA4 protein (p.Gln160Arg). This variant is not present in population databases (gnomAD no frequency). This variant has not been reported in the literature in individuals affected with SMARCA4-related conditions. ClinVar contains an entry for this variant (Variation ID: 1488916). Invitae Evidence Modeling of protein sequence and biophysical properties (such as structural, functional, and spatial information, amino acid conservation, physicochemical variation, residue mobility, and thermodynamic stability) indicates that this missense variant is not expected to disrupt SMARCA4 protein function with a negative predictive value of 80%. In summary, the available evidence is currently insufficient to determine the role of this variant in disease. Therefore, it has been classified as a Variant of Uncertain Significance.

NM_003072.5(SMARCA4):c.479A>G (p.Gln160Arg)

Gene: SMARCA4 (SWI/SNF related BAF chromatin remodeling complex subunit ATPase 4; plus strand). Cytogenetic location: 19p13.2.
Variant type: single nucleotide variant.
Coding change: c.479A>G on transcript NM_003072.5 (MANE Select); coding-DNA position 479, A replaced by G.
Protein change: p.Gln160Arg; replaces glutamine 160 with arginine.
Molecular consequence: missense variant. On other transcripts: non-coding transcript variant (1).
Genome position (GRCh38, 1-based): chr19:10,986,312, A>G. VCF-style: chr19-10986312-A-G. GRCh37 (hg19) VCF-style: chr19-11096988-A-G.
Other names: c.479A>G, p.Gln160Arg (NM_001128844.3, NM_001128845.2, NM_001128846.2 and 5 more transcripts); short protein forms Q160R.
Identifiers: ClinVar variation 1488916 (VCV001488916.6), dbSNP rs2145775356, ClinGen allele CA404056086.